The following is an entry in ClinVar:

ClinVar aggregate classification (germline): Uncertain significance (1 of 4 stars; one submission).

Conditions:
GATA binding protein 1 related thrombocytopenia with dyserythropoiesis. Also called: GATA1-Related X-Linked Cytopenia; GATA1-Related Cytopenia. Identifiers: MedGen C1845837, MONDO:0100089.
Diamond-Blackfan anemia. Also called: Blackfan Diamond syndrome; Aregenerative anemia chronic congenital; Red cell aplasia, pure hereditary; Congenital hypoplastic anemia; Aase syndrome. Identifiers: Orphanet 124, MedGen C1260899, MeSH D029503, MONDO:0015253, HP:0004810.

gnomAD v4.1: 4 of 1,211,055 alleles (0.00033%); highest among the groups gnomAD compares: Non-Finnish European, 0.00034%; no homozygotes.

Submission:

Labcorp Genetics (formerly Invitae), Labcorp
Classification: Uncertain significance for GATA binding protein 1 related thrombocytopenia with dyserythropoiesis; Diamond-Blackfan anemia. Last evaluated: 2024-07-30. Review status: criteria provided, single submitter. Criteria: Invitae Variant Classification Sherloc (09022015). Collection method: clinical testing. Allele origin: germline.
Comment: This sequence change replaces serine, which is neutral and polar, with asparagine, which is neutral and polar, at codon 170 of the GATA1 protein (p.Ser170Asn). This variant is not present in population databases (gnomAD no frequency). This variant has not been reported in the literature in individuals affected with GATA1-related conditions. Advanced modeling of protein sequence and biophysical properties (such as structural, functional, and spatial information, amino acid conservation, physicochemical variation, residue mobility, and thermodynamic stability) performed at Invitae indicates that this missense variant is not expected to disrupt GATA1 protein function with a negative predictive value of 80%. In summary, the available evidence is currently insufficient to determine the role of this variant in disease. Therefore, it has been classified as a Variant of Uncertain Significance.

NM_002049.4(GATA1):c.509G>A (p.Ser170Asn)

Gene: GATA1 (GATA binding protein 1; plus strand). Cytogenetic location: Xp11.23.
Variant type: single nucleotide variant.
Coding change: c.509G>A on transcript NM_002049.4 (MANE Select); coding-DNA position 509, G replaced by A.
Protein change: p.Ser170Asn; replaces serine 170 with asparagine.
Molecular consequence: missense variant.
Genome position (GRCh38, 1-based): chrX:48,792,132, G>A. VCF-style: chrX-48792132-G-A. GRCh37 (hg19) VCF-style: chrX-48650539-G-A.
Other names: short protein forms S170N.
Identifiers: ClinVar variation 3762938 (VCV003762938.2).